The following is an entry in ClinVar:

NM_201384.3(PLEC):c.4702_4710del (p.Glu1568_Ala1570del)

Gene: PLEC (plectin; minus strand). Cytogenetic location: 8q24.3.
Variant type: Deletion.
Coding change: c.4702_4710del on transcript NM_201384.3 (MANE Select); coding-DNA positions 4702 to 4710, 9 bases deleted (GAGACGGCG; older notation c.4702_4710delGAGACGGCG).
Protein change: p.Glu1568_Ala1570del.
Molecular consequence: inframe deletion.
Genome position (GRCh38, 1-based): chr8:143,925,219-143,925,227, CGCCGTCTC deleted on the plus strand (GAGACGGCG on the coding strand, the reverse complement: PLEC is on the minus strand); deleting any 9 consecutive bases within chr8:143,925,219-143,925,228 gives the same sequence; the c. name uses the placement nearest the transcript's 3' end. VCF-style (leftmost placement, unchanged base first): chr8-143925218-GCGCCGTCTC-G. GRCh37 (hg19) VCF-style: chr8-144999386-GCGCCGTCTC-G.
Other names: c.4783_4791del, p.Glu1595_Ala1597del (NM_000445.5); c.4660_4668del, p.Glu1554_Ala1556del (NM_201378.4); c.4636_4644del, p.Glu1546_Ala1548del (NM_201379.3); c.5113_5121del, p.Glu1705_Ala1707del (NM_201380.4); c.4606_4614del, p.Glu1536_Ala1538del (NM_201381.3); c.4702_4710del, p.Glu1568_Ala1570del (NM_201382.4); c.4714_4722del, p.Glu1572_Ala1574del (NM_201383.3).
Identifiers: ClinVar variation 2145226 (VCV002145226.4), dbSNP rs1554701298, ClinGen allele CA586158299.
Genomic context (GRCh38, chr8:143,925,218, plus strand): 5'-GTGCCGTCTTCTCGGCGAAGGAGGCGCGTTTGCTCTGCAGCTCCGCCTCTGCACTGCGCT[GCGCCGTCTC>G]CAGGGCCACCTGTACCTGCCGCGCTCGCTCCACCTCGGCCTGCCGCAGGCGCCGCTCCGC-3'

ClinVar aggregate classification (germline): Uncertain significance (1 of 4 stars; one submission).

Conditions:
Epidermolysis bullosa simplex 5B, with muscular dystrophy (EBS5B). Also called: EPIDERMOLYSIS BULLOSA SIMPLEX AND LIMB-GIRDLE MUSCULAR DYSTROPHY; Epidermolysis bullosa simplex with muscular dystrophy. Identifiers: Orphanet 257, MedGen C2931072, MONDO:0009181, OMIM 226670.
Epidermolysis bullosa simplex, Ogna type (EBS5A). Also called: Pidermolysis bullosa simplex 5A, Ogna type; EPIDERMOLYSIS BULLOSA SIMPLEX 5A, OGNA TYPE. Identifiers: Orphanet 79401, MedGen C0432317, MONDO:0007555, OMIM 131950.
Epidermolysis bullosa simplex 5C, with pyloric atresia (EBS5C). Also called: PLEC-Related Epidermolysis Bullosa with Pyloric Atresia; Epidermolysis bullosa simplex with pyloric atresia; PLEC1-Related Epidermolysis Bullosa with Pyloric Atresia. Identifiers: Orphanet 158684, MedGen C2677349, MONDO:0012807, OMIM 612138.
Autosomal recessive limb-girdle muscular dystrophy type 2Q (LGMDR17). Also called: MUSCULAR DYSTROPHY, LIMB-GIRDLE, AUTOSOMAL RECESSIVE 17. Identifiers: Orphanet 254361, MedGen C3150989, MONDO:0013390, OMIM 613723.
Epidermolysis bullosa simplex with nail dystrophy (EBS5D). Identifiers: MedGen C4225309, MONDO:0014661, OMIM 616487.

Submission:

Labcorp Genetics (formerly Invitae), Labcorp
Classification: Uncertain significance for Autosomal recessive limb-girdle muscular dystrophy type 2Q; Epidermolysis bullosa simplex, Ogna type; Epidermolysis bullosa simplex with nail dystrophy; Epidermolysis bullosa simplex 5C, with pyloric atresia; Epidermolysis bullosa simplex 5B, with muscular dystrophy. Last evaluated: 2022-05-23. Review status: criteria provided, single submitter. Criteria: Invitae Variant Classification Sherloc (09022015). Collection method: clinical testing. Allele origin: germline.
Comment: In summary, the available evidence is currently insufficient to determine the role of this variant in disease. Therefore, it has been classified as a Variant of Uncertain Significance. This variant, c.4783_4791del, results in the deletion of 3 amino acid(s) of the PLEC protein (p.Glu1595_Ala1597del), but otherwise preserves the integrity of the reading frame. This variant is present in population databases (no rsID available, gnomAD 0.002%). This variant has not been reported in the literature in individuals affected with PLEC-related conditions. Experimental studies and prediction algorithms are not available or were not evaluated, and the functional significance of this variant is currently unknown.